The following is an entry in ClinVar:

NM_001940.4(ATN1):c.3513G>A (p.Pro1171=)

Gene: ATN1 (atrophin 1; plus strand). Cytogenetic location: 12p13.31.
Variant type: single nucleotide variant.
Coding change: c.3513G>A on transcript NM_001940.4 (MANE Select); coding-DNA position 3513, G replaced by A.
Protein change: p.Pro1171=; no amino-acid change (proline 1171 retained).
Molecular consequence: synonymous variant.
Genome position (GRCh38, 1-based): chr12:6,941,528, G>A. VCF-style: chr12-6941528-G-A. GRCh37 (hg19) VCF-style: chr12-7050691-G-A.
Other names: c.3513G>A, p.Pro1171= (NM_001007026.2, NM_001424176.1, NM_001424177.1 and 1 more transcripts); c.3510G>A, p.Pro1170= (NM_001424179.1, NM_001424180.1).
Identifiers: ClinVar variation 5039528 (VCV005039528.1).

ClinVar aggregate classification (germline): Likely benign (1 of 4 stars; one submission).

gnomAD v4.1: 16 of 1,612,374 alleles (0.00099%); highest among the groups gnomAD compares: Non-Finnish European, 0.0013%; no homozygotes.

Submission:

CeGaT Center for Human Genetics Tuebingen
Classification: Likely benign. Last evaluated: 2026-07-01. Review status: criteria provided, single submitter. Criteria: CeGaT Center For Human Genetics Tuebingen Variant Classification Criteria Version 2. Collection method: clinical testing. Allele origin: germline. Affected: yes. Observed: 1 variant allele.
Comment: ATN1: BP4, BP7